The following is an entry in ClinVar:

ClinVar aggregate classification (germline): Conflicting classifications of pathogenicity. Review status: criteria provided, conflicting classifications (1 of 4 stars). 4 submissions from 4 submitters: Uncertain significance (1); Benign (1); Likely benign (1). 1 of the submissions does not count toward it. Last evaluated 2026-01-26.

Conditions:
ABCA4-related disorder. Also called: ABCA4-related condition; ABCA4-related disorders. Identifiers: MedGen CN239167.

Allele frequency attached by ClinVar (database versions not stated): gnomAD below 0.00001 and 0.00014; TOPMed 0.00002; gnomAD exomes 0.00034 and 0.00068; 1000 Genomes Project 30x 0.00062; ExAC 0.00073; 1000 Genomes Project 0.00080.
gnomAD v4.1: 516 of 1,614,160 alleles (0.032%); highest among the groups gnomAD compares: South Asian, 0.54%; 2 homozygotes.

Submissions (4):

Labcorp Genetics (formerly Invitae), Labcorp
Classification: Benign. Last evaluated: 2026-01-26. Review status: criteria provided, single submitter. Criteria: Invitae Variant Classification Sherloc (09022015). Collection method: clinical testing. Allele origin: germline.

Blueprint Genetics
Classification: Likely benign. Last evaluated: 2024-11-11. Review status: criteria provided, single submitter. Criteria: ACMG Guidelines, 2015. Collection method: clinical testing. Allele origin: germline.

Illumina Laboratory Services, Illumina
Classification: Uncertain significance for ABCA4-Related Disorders. Last evaluated: 2018-01-13. Review status: criteria provided, single submitter. Criteria: ICSL Variant Classification Criteria 13 December 2019. Collection method: clinical testing. Allele origin: germline.

PreventionGenetics, part of Exact Sciences
Classification: Likely benign for ABCA4-related condition. Last evaluated: 2019-08-08. Review status: no assertion criteria provided. Collection method: clinical testing. Allele origin: germline. Not counted in ClinVar's aggregate classification.
Comment: This variant is classified as likely benign based on ACMG/AMP sequence variant interpretation guidelines (Richards et al. 2015 PMID: 25741868, with internal and published modifications).

NM_000350.3(ABCA4):c.5640T>A (p.Phe1880Leu)

Gene: ABCA4 (ATP binding cassette subfamily A member 4; minus strand). Cytogenetic location: 1p22.1.
Variant type: single nucleotide variant.
Coding change: c.5640T>A on transcript NM_000350.3 (MANE Select); coding-DNA position 5640, T replaced by A.
Protein change: p.Phe1880Leu; replaces phenylalanine 1880 with leucine.
Molecular consequence: missense variant.
Genome position (GRCh38, 1-based): chr1:94,010,874, A>T on the plus strand (T>A on the coding strand, the complement: ABCA4 is on the minus strand). VCF-style: chr1-94010874-A-T. GRCh37 (hg19) VCF-style: chr1-94476430-A-T.
Other names: c.5418T>A, p.Phe1806Leu (NM_001425324.1); short protein forms F1880L, F1806L.
Identifiers: ClinVar variation 874746 (VCV000874746.15), dbSNP rs374811709, ClinGen allele CA957187.
Genomic context (GRCh38, chr1:94,010,874, plus strand): 5'-GAAGTGGCGCTGGACCAGCAGGGTCAGGAGGAAGTACACCACCCCTTCCACCACCATGGC[A>T]AACAGGTTCTTCCCAATCAGGTCCCAGTGGAACGGATTTGCAGAGTGCTCCTCACCTGGG-3'
Protein context (NP_000341.2, residues 1870-1890): FHWDLIGKNL[Phe1880Leu]AMVVEGVVYF